The following is an entry in ClinVar:

NM_005751.5(AKAP9):c.4226A>G (p.Asn1409Ser)

Gene: AKAP9 (A-kinase anchoring protein 9; plus strand). Cytogenetic location: 7q21.2.
Variant type: single nucleotide variant.
Coding change: c.4226A>G on transcript NM_005751.5 (MANE Select); coding-DNA position 4226, A replaced by G.
Protein change: p.Asn1409Ser; replaces asparagine 1409 with serine.
Molecular consequence: missense variant.
Genome position (GRCh38, 1-based): chr7:92,029,972, A>G. VCF-style: chr7-92029972-A-G. GRCh37 (hg19) VCF-style: chr7-91659286-A-G.
Other names: c.4226A>G, p.Asn1409Ser (NM_147185.3); short protein forms N1409S.
Identifiers: ClinVar variation 4700113 (VCV004700113.1).

ClinVar aggregate classification (germline): Uncertain significance (1 of 4 stars; one submission).

Conditions:
Long QT syndrome (LQTS). Identifiers: MedGen C0023976, MeSH D008133, MONDO:0002442. Disease mechanism: loss of function. Inheritance: Various modes of inheritance.

gnomAD v4.1: 9 of 1,608,262 alleles (0.00056%); highest among the groups gnomAD compares: South Asian, 0.0011%; no homozygotes.

Submission:

Labcorp Genetics (formerly Invitae), Labcorp
Classification: Uncertain significance for Long QT syndrome. Last evaluated: 2025-02-08. Review status: criteria provided, single submitter. Criteria: Invitae Variant Classification Sherloc (09022015). Collection method: clinical testing. Allele origin: germline.
Comment: This sequence change replaces asparagine, which is neutral and polar, with serine, which is neutral and polar, at codon 1409 of the AKAP9 protein (p.Asn1409Ser). This variant is not present in population databases (gnomAD no frequency). This variant has not been reported in the literature in individuals affected with AKAP9-related conditions. An algorithm developed to predict the effect of missense changes on protein structure and function (PolyPhen-2) suggests that this variant is likely to be tolerated. In summary, the available evidence is currently insufficient to determine the role of this variant in disease. Therefore, it has been classified as a Variant of Uncertain Significance.